The following is an entry in ClinVar:

NM_017802.4(DNAAF5):c.788G>T (p.Arg263Leu)

Gene: DNAAF5 (dynein axonemal assembly factor 5; plus strand). Cytogenetic location: 7p22.3.
Variant type: single nucleotide variant.
Coding change: c.788G>T on transcript NM_017802.4 (MANE Select); coding-DNA position 788, G replaced by T.
Protein change: p.Arg263Leu; replaces arginine 263 with leucine.
Molecular consequence: missense variant. On other transcripts: non-coding transcript variant (1).
Genome position (GRCh38, 1-based): chr7:740,826, G>T. VCF-style: chr7-740826-G-T. GRCh37 (hg19) VCF-style: chr7-780463-G-T.
Other names: short protein forms R263L.
Identifiers: ClinVar variation 964729 (VCV000964729.1), dbSNP rs201059622, ClinGen allele CA366533945.

ClinVar aggregate classification (germline): Uncertain significance (1 of 4 stars; one submission).

Conditions:
Primary ciliary dyskinesia. Also called: Ciliary dyskinesia. Identifiers: Orphanet 244, MedGen C0008780, MONDO:0016575, HP:0012265.

Allele frequency attached by ClinVar (database versions not stated): TOPMed 0.00002.
gnomAD v4.1: 4 of 1,613,652 alleles (0.00025%); highest among the groups gnomAD compares: African/African-American, 0.0053%; no homozygotes.

Submission:

Labcorp Genetics (formerly Invitae), Labcorp
Classification: Uncertain significance for Primary ciliary dyskinesia. Last evaluated: 2019-10-18. Review status: criteria provided, single submitter. Criteria: Invitae Variant Classification Sherloc (09022015). Collection method: clinical testing. Allele origin: germline.
Comment: This sequence change replaces arginine with leucine at codon 263 of the DNAAF5 protein (p.Arg263Leu). The arginine residue is weakly conserved and there is a moderate physicochemical difference between arginine and leucine. This variant is not present in population databases (ExAC no frequency). This variant has not been reported in the literature in individuals with DNAAF5-related conditions. Algorithms developed to predict the effect of missense changes on protein structure and function (SIFT, PolyPhen-2, Align-GVGD) all suggest that this variant is likely to be tolerated, but these predictions have not been confirmed by published functional studies and their clinical significance is uncertain. In summary, the available evidence is currently insufficient to determine the role of this variant in disease. Therefore, it has been classified as a Variant of Uncertain Significance.